The following is an entry in ClinVar:

ClinVar aggregate classification (germline): Likely benign (1 of 4 stars; one submission).

Conditions:
Tuberous sclerosis 2 (TSC2). Identifiers: Orphanet 805, MedGen C1860707, MONDO:0013199, OMIM 613254.

Submission:

Myriad Genetics, Inc.
Classification: Likely benign for Tuberous sclerosis 2. Last evaluated: 2025-05-16. Review status: criteria provided, single submitter. Criteria: Myriad Autosomal Dominant, Autosomal Recessive and X-Linked Classification Criteria (2023). Collection method: clinical testing. Allele origin: unknown.
Comment: This variant is considered likely benign. This variant is intronic and is not expected to impact mRNA splicing.

NM_000548.5(TSC2):c.1947-10G>T

Gene: TSC2 (TSC complex subunit 2; plus strand). Cytogenetic location: 16p13.3.
Variant type: single nucleotide variant.
Coding change: c.1947-10G>T on transcript NM_000548.5 (MANE Select); 10 bases into the intron before coding-DNA position 1947, G replaced by T.
Molecular consequence: intron variant.
Genome position (GRCh38, 1-based): chr16:2,071,774, G>T. VCF-style: chr16-2071774-G-T. GRCh37 (hg19) VCF-style: chr16-2121775-G-T.
Other names: c.1347-10G>T (NM_001406686.1, NM_001406680.1, NM_001406683.1 and 6 more transcripts); c.1980-10G>T (NM_001318832.2); c.603-10G>T (NM_001406693.1, NM_001406689.1, NM_001406690.1 and 6 more transcripts); c.2037-10G>T (NM_001406667.1, NM_001406668.1); c.345-10G>T (NM_001406698.1); c.1947-10G>T (NM_001114382.3, NM_001406663.1, NM_001406664.1 and 6 more transcripts); c.1935-10G>T (NM_001406671.1, NM_001406673.1); c.1485-10G>T (NM_001406681.1); and 3 more.
Identifiers: ClinVar variation 4071084 (VCV004071084.1).